The following is an entry in ClinVar:

NM_002437.5(MPV17):c.106C>G (p.Gln36Glu)

Gene: MPV17 (mitochondrial inner membrane protein MPV17; minus strand). Cytogenetic location: 2p23.3.
Variant type: single nucleotide variant.
Coding change: c.106C>G on transcript NM_002437.5 (MANE Select); coding-DNA position 106, C replaced by G.
Protein change: p.Gln36Glu; replaces glutamine 36 with glutamic acid.
Molecular consequence: missense variant.
Genome position (GRCh38, 1-based): chr2:27,313,074, G>C on the plus strand (C>G on the coding strand, the complement: MPV17 is on the minus strand). VCF-style: chr2-27313074-G-C. GRCh37 (hg19) VCF-style: chr2-27535941-G-C.
Other names: short protein forms Q36E.
Identifiers: ClinVar variation 2018627 (VCV002018627.4), dbSNP rs754051090, ClinGen allele CA346209456.

ClinVar aggregate classification (germline): Uncertain significance (1 of 4 stars; one submission).

gnomAD v4.1: 1 of 1,614,192 alleles (0.000062%); highest among the groups gnomAD compares: Non-Finnish European, 0.000085%; no homozygotes.

Submission:

Labcorp Genetics (formerly Invitae), Labcorp
Classification: Uncertain significance. Last evaluated: 2022-06-04. Review status: criteria provided, single submitter. Criteria: Invitae Variant Classification Sherloc (09022015). Collection method: clinical testing. Allele origin: germline.
Comment: This sequence change replaces glutamine, which is neutral and polar, with glutamic acid, which is acidic and polar, at codon 36 of the MPV17 protein (p.Gln36Glu). This variant is not present in population databases (gnomAD no frequency). This variant has not been reported in the literature in individuals affected with MPV17-related conditions. Advanced modeling of protein sequence and biophysical properties (such as structural, functional, and spatial information, amino acid conservation, physicochemical variation, residue mobility, and thermodynamic stability) performed at Invitae indicates that this missense variant is not expected to disrupt MPV17 protein function. Algorithms developed to predict the effect of sequence changes on RNA splicing suggest that this variant may create or strengthen a splice site. In summary, the available evidence is currently insufficient to determine the role of this variant in disease. Therefore, it has been classified as a Variant of Uncertain Significance.